The following is an entry in ClinVar:

ClinVar aggregate classification (germline): Uncertain significance (1 of 4 stars; one submission).

Conditions:
Hereditary spastic paraplegia 11. Also called: Spastic Paraplegia 11; SPASTIC PARAPLEGIA, AUTOSOMAL RECESSIVE, COMPLICATED, WITH THIN CORPUS CALLOSUM; SPASTIC PARAPLEGIA, AUTOSOMAL RECESSIVE, WITH MENTAL IMPAIRMENT AND THIN CORPUS CALLOSUM; Spastic paraplegia, mental retardation and thin corpus callosum; Nakamura Osame syndrome; Autosomal recessive hereditary spastic paraplegia, mental impairment, and thin corpus callosum. Identifiers: Orphanet 2822, MedGen C1858479, MONDO:0011445, OMIM 604360.

Allele frequency attached by ClinVar (database versions not stated): gnomAD 0.00001.

Submission:

Labcorp Genetics (formerly Invitae), Labcorp
Classification: Uncertain significance for Hereditary spastic paraplegia 11. Last evaluated: 2021-09-01. Review status: criteria provided, single submitter. Criteria: Invitae Variant Classification Sherloc (09022015). Collection method: clinical testing. Allele origin: germline.
Comment: This sequence change replaces asparagine with lysine at codon 1516 of the SPG11 protein (p.Asn1516Lys). The asparagine residue is weakly conserved and there is a moderate physicochemical difference between asparagine and lysine. This variant is present in population databases (rs759489082, ExAC 0.001%). This variant has not been reported in the literature in individuals affected with SPG11-related conditions. Algorithms developed to predict the effect of missense changes on protein structure and function (SIFT, PolyPhen-2, Align-GVGD) all suggest that this variant is likely to be tolerated. In summary, the available evidence is currently insufficient to determine the role of this variant in disease. Therefore, it has been classified as a Variant of Uncertain Significance.

NM_025137.4(SPG11):c.4548C>G (p.Asn1516Lys)

Gene: SPG11 (SPG11 vesicle trafficking associated, spatacsin; minus strand). Cytogenetic location: 15q21.1.
Variant type: single nucleotide variant.
Coding change: c.4548C>G on transcript NM_025137.4 (MANE Select); coding-DNA position 4548, C replaced by G.
Protein change: p.Asn1516Lys; replaces asparagine 1516 with lysine.
Molecular consequence: missense variant.
Genome position (GRCh38, 1-based): chr15:44,595,346, G>C on the plus strand (C>G on the coding strand, the complement: SPG11 is on the minus strand). VCF-style: chr15-44595346-G-C. GRCh37 (hg19) VCF-style: chr15-44887544-G-C.
Other names: c.4548C>G, p.Asn1516Lys (NM_001160227.2); short protein forms N1516K.
Identifiers: ClinVar variation 1037532 (VCV001037532.6), dbSNP rs759489082, ClinGen allele CA7534649.
Genomic context (GRCh38, chr15:44,595,346, plus strand): 5'-GAGAGTTTTGCTCTTTTGTCTTGTTAATAATGTTCTCCAGATGACTGAAAGATCCTCAAG[G>C]TTCCAGGTATGGTCCTCTGTTGAGTCCTGAATGTGTCCCATTGCTTCAGTTGCAACATTG-3'
Protein context (NP_079413.3, residues 1506-1526): IQDSTEDHTW[Asn1516Lys]LEDLSVIWRT